The following is an entry in ClinVar:

ClinVar aggregate classification (germline): Uncertain significance. Review status: criteria provided, multiple submitters, no conflicts (2 of 4 stars). 2 submissions from 2 submitters: Uncertain significance (2). Last evaluated 2023-04-15.

Conditions:
Hereditary cancer-predisposing syndrome. Also called: Tumor predisposition; Hereditary neoplastic syndrome; Neoplastic Syndromes, Hereditary; Hereditary Cancer Syndrome. Identifiers: Orphanet 140162, MedGen C0027672, MeSH D009386, MONDO:0015356.
Tuberous sclerosis 1 (TSC1). Identifiers: Orphanet 805, MedGen C1854465, MONDO:0008612, OMIM 191100.

Submissions (2):

Labcorp Genetics (formerly Invitae), Labcorp
Classification: Uncertain significance for Tuberous sclerosis 1. Last evaluated: 2023-04-15. Review status: criteria provided, single submitter. Criteria: Invitae Variant Classification Sherloc (09022015). Collection method: clinical testing. Allele origin: germline.
Comment: This variant has not been reported in the literature in individuals affected with TSC1-related conditions. This variant is not present in population databases (gnomAD no frequency). This sequence change replaces valine, which is neutral and non-polar, with leucine, which is neutral and non-polar, at codon 772 of the TSC1 protein (p.Val772Leu). Advanced modeling of protein sequence and biophysical properties (such as structural, functional, and spatial information, amino acid conservation, physicochemical variation, residue mobility, and thermodynamic stability) performed at Invitae indicates that this missense variant is not expected to disrupt TSC1 protein function. In summary, the available evidence is currently insufficient to determine the role of this variant in disease. Therefore, it has been classified as a Variant of Uncertain Significance.

Ambry Genetics
Classification: Uncertain significance for Hereditary cancer-predisposing syndrome. Last evaluated: 2023-03-25. Review status: criteria provided, single submitter. Criteria: Ambry Variant Classification Scheme 2023. Collection method: clinical testing. Allele origin: germline.
Comment: The p.V772L variant (also known as c.2314G>C), located in coding exon 16 of the TSC1 gene, results from a G to C substitution at nucleotide position 2314. The valine at codon 772 is replaced by leucine, an amino acid with highly similar properties. This amino acid position is conserved. In addition, the in silico prediction for this alteration is inconclusive. Since supporting evidence is limited at this time, the clinical significance of this alteration remains unclear.

NM_000368.5(TSC1):c.2314G>C (p.Val772Leu)

Gene: TSC1 (TSC complex subunit 1; minus strand). Cytogenetic location: 9q34.13.
Variant type: single nucleotide variant.
Coding change: c.2314G>C on transcript NM_000368.5 (MANE Select); coding-DNA position 2314, G replaced by C.
Protein change: p.Val772Leu; replaces valine 772 with leucine.
Molecular consequence: missense variant. On other transcripts: non-coding transcript variant (5).
Genome position (GRCh38, 1-based): chr9:132,902,682, C>G on the plus strand (G>C on the coding strand, the complement: TSC1 is on the minus strand). VCF-style: chr9-132902682-C-G. GRCh37 (hg19) VCF-style: chr9-135778069-C-G.
Other names: c.2311G>C, p.Val771Leu (NM_001162426.2, NM_001406597.1, NM_001406598.1 and 4 more transcripts); c.2161G>C, p.Val721Leu (NM_001162427.2, NM_001406610.1); c.1951G>C, p.Val651Leu (NM_001362177.2, NM_001406616.1, NM_001406617.1 and 5 more transcripts); c.2314G>C, p.Val772Leu (NM_001406592.1, NM_001406593.1, NM_001406594.1 and 5 more transcripts); c.1261G>C, p.Val421Leu (NM_001406630.1, NM_001406629.1); c.2158G>C, p.Val720Leu (NM_001406611.1, NM_001406612.1, NM_001406613.1); c.2299G>C, p.Val767Leu (NM_001406602.1, NM_001406601.1); c.2296G>C, p.Val766Leu (NM_001406603.1, NM_001406604.1); and 3 more; short protein forms V767L, V771L, V421L, V455L, V650L, V651L, V766L, V772L.
Identifiers: ClinVar variation 2560386 (VCV002560386.5), dbSNP rs1468880078, ClinGen allele CA375359577.